The following is an entry in ClinVar:

ClinVar aggregate classification (germline): Uncertain significance (1 of 4 stars; one submission).

Submission:

Greenwood Genetic Center Diagnostic Laboratories, Greenwood Genetic Center
Classification: Uncertain significance. Last evaluated: 2023-04-24. Review status: criteria provided, single submitter. Criteria: ACMG Guidelines, 2015. Collection method: clinical testing. Allele origin: germline. Affected: yes.
Comment: PM2

NM_017635.5(KMT5B):c.2423T>G (p.Leu808Arg)

Gene: KMT5B (lysine methyltransferase 5B; minus strand). Cytogenetic location: 11q13.2.
Variant type: single nucleotide variant.
Coding change: c.2423T>G on transcript NM_017635.5 (MANE Select); coding-DNA position 2423, T replaced by G.
Protein change: p.Leu808Arg; replaces leucine 808 with arginine.
Molecular consequence: missense variant.
Genome position (GRCh38, 1-based): chr11:68,157,923, A>C on the plus strand (T>G on the coding strand, the complement: KMT5B is on the minus strand). VCF-style: chr11-68157923-A-C. GRCh37 (hg19) VCF-style: chr11-67925390-A-C.
Other names: c.1907T>G, p.Leu636Arg (NM_001300907.1, NM_001369428.1, NM_001369429.1 and 4 more transcripts); c.1703T>G, p.Leu568Arg (NM_001300908.2); c.2423T>G, p.Leu808Arg (NM_001369426.1); short protein forms L568R, L636R, L808R.
Identifiers: ClinVar variation 2572366 (VCV002572366.1), dbSNP rs2496182427, ClinGen allele CA381587227.